The following is an entry in ClinVar:

NM_145038.5(DRC1):c.14G>A (p.Gly5Glu)

Gene: DRC1 (dynein regulatory complex subunit 1; plus strand). Cytogenetic location: 2p23.3.
Variant type: single nucleotide variant.
Coding change: c.14G>A on transcript NM_145038.5 (MANE Select); coding-DNA position 14, G replaced by A.
Protein change: p.Gly5Glu; replaces glycine 5 with glutamic acid.
Molecular consequence: missense variant.
Genome position (GRCh38, 1-based): chr2:26,402,003, G>A. VCF-style: chr2-26402003-G-A. GRCh37 (hg19) VCF-style: chr2-26624871-G-A.
Other names: short protein forms G5E.
Identifiers: ClinVar variation 643296 (VCV000643296.6), dbSNP rs767420758, ClinGen allele CA1561717.

ClinVar aggregate classification (germline): Uncertain significance (1 of 4 stars; one submission).

Conditions:
Primary ciliary dyskinesia. Also called: Ciliary dyskinesia. Identifiers: Orphanet 244, MedGen C0008780, MONDO:0016575, HP:0012265.

Allele frequency attached by ClinVar (database versions not stated): gnomAD exomes 0.00001; TOPMed 0.00001; ExAC 0.00002; gnomAD 0.00002.
gnomAD v4.1: 14 of 1,607,680 alleles (0.00087%); highest among the groups gnomAD compares: Admixed American, 0.0067%; no homozygotes.

Submission:

Labcorp Genetics (formerly Invitae), Labcorp
Classification: Uncertain significance for Primary ciliary dyskinesia. Last evaluated: 2022-06-26. Review status: criteria provided, single submitter. Criteria: Invitae Variant Classification Sherloc (09022015). Collection method: clinical testing. Allele origin: germline.
Comment: This sequence change replaces glycine, which is neutral and non-polar, with glutamic acid, which is acidic and polar, at codon 5 of the DRC1 protein (p.Gly5Glu). This variant is present in population databases (rs767420758, gnomAD 0.009%). This variant has not been reported in the literature in individuals affected with DRC1-related conditions. ClinVar contains an entry for this variant (Variation ID: 643296). Algorithms developed to predict the effect of missense changes on protein structure and function are either unavailable or do not agree on the potential impact of this missense change (SIFT: "Tolerated"; PolyPhen-2: "Not Available"; Align-GVGD: "Class C0"). In summary, the available evidence is currently insufficient to determine the role of this variant in disease. Therefore, it has been classified as a Variant of Uncertain Significance.